The following is an entry in ClinVar:

ClinVar aggregate classification (germline): Likely benign (1 of 4 stars; one submission).

Submission:

GeneDx
Classification: Likely benign. Last evaluated: 2021-05-21. Review status: criteria provided, single submitter. Criteria: GeneDx Variant Classification Process June 2021. Collection method: clinical testing. Allele origin: germline. Affected: yes.
Comment: See Variant Classification Assertion Criteria.

NM_080911.3(UNG):c.802-51_802-48dup

Gene: UNG (uracil DNA glycosylase; plus strand). Cytogenetic location: 12q24.11.
Variant type: Duplication.
Coding change: c.802-51_802-48dup on transcript NM_080911.3 (MANE Select); 51 bases into the intron before coding-DNA position 802 through 48 bases into the intron before coding-DNA position 802, 4 bases duplicated (AAAA; older notation c.802-51_802-48dupAAAA).
Molecular consequence: intron variant.
Genome position (GRCh38, 1-based): chr12:109,109,778-109,109,781, AAAA duplicated; duplicating any 4 consecutive bases within chr12:109,109,764-109,109,781 gives the same sequence; the c. name uses the placement nearest the transcript's 3' end. VCF-style (leftmost placement, unchanged base first): chr12-109109763-C-CAAAA. GRCh37 (hg19) VCF-style: chr12-109547568-C-CAAAA.
Other names: c.775-51_775-48dup (NM_003362.4).
Identifiers: ClinVar variation 2662425 (VCV002662425.1), dbSNP rs71079524, ClinGen allele CA481699510.